The following is an entry in ClinVar:

NM_001384474.1(LOXHD1):c.6082G>A (p.Gly2028Ser)

Gene: LOXHD1 (lipoxygenase homology PLAT domains 1; minus strand). Cytogenetic location: 18q21.1.
Variant type: single nucleotide variant.
Coding change: c.6082G>A on transcript NM_001384474.1 (MANE Select); coding-DNA position 6082, G replaced by A.
Protein change: p.Gly2028Ser; replaces glycine 2028 with serine.
Molecular consequence: missense variant.
Genome position (GRCh38, 1-based): chr18:46,485,119, C>T on the plus strand (G>A on the coding strand, the complement: LOXHD1 is on the minus strand). VCF-style: chr18-46485119-C-T. GRCh37 (hg19) VCF-style: chr18-44065082-C-T.
Other names: c.2749G>A, p.Gly917Ser (NM_001145472.3); c.799G>A, p.Gly267Ser (NM_001145473.3, NM_001173129.2); c.2461G>A, p.Gly821Ser (NM_001308013.2); c.5896G>A, p.Gly1966Ser (NM_144612.7); short protein forms G821S, G917S, G1966S, G267S, G2028S.
Identifiers: ClinVar variation 666851 (VCV000666851.10), dbSNP rs569121054, ClinGen allele CA8952090.
Genomic context (GRCh38, chr18:46,485,119, plus strand): 5'-ACTCTTTGGATCGGTTCTTCCTGCCCTCCAGGATGAGCCAGACGTTCTCCCTGGTTTCGC[C>T]TCCGTTGCCCGTTTCTATGACGATCTCGTAGGCTGTAATGGAGGAGGTGGGGGAGGGTCA-3'
Protein context (NP_001371403.1, residues 2018-2038): YEIVIETGNG[Gly2028Ser]ETRENVWLIL

ClinVar aggregate classification (germline): Uncertain significance. Review status: criteria provided, multiple submitters, no conflicts (2 of 4 stars). 6 submissions from 6 submitters: Uncertain significance (5). 1 of the submissions does not count toward it. Last evaluated 2024-11-11.

Conditions:
Autosomal recessive nonsyndromic hearing loss 77. Identifiers: Orphanet 90636, MedGen C2746083, MONDO:0013119, OMIM 613079.
Inborn genetic diseases. Identifiers: MedGen C0950123, MeSH D030342.

Allele frequency attached by ClinVar (database versions not stated): gnomAD exomes 0.00002 and 0.00008; ExAC 0.00004; 1000 Genomes Project 0.00020; gnomAD 0.00022 and 0.00025; TOPMed 0.00024; 1000 Genomes Project 30x 0.00031.
gnomAD v4.1: 66 of 1,549,846 alleles (0.0043%); highest among the groups gnomAD compares: African/African-American, 0.07%; no homozygotes.

Submissions (6):

GeneDx
Classification: Uncertain significance. Last evaluated: 2024-11-11. Review status: criteria provided, single submitter. Criteria: GeneDx Variant Classification Process June 2021. Collection method: clinical testing. Allele origin: germline. Affected: yes.
Comment: In silico analysis indicates that this missense variant does not alter protein structure/function; Has not been previously published as pathogenic or benign to our knowledge

Ambry Genetics
Classification: Uncertain significance for Inborn genetic diseases. Last evaluated: 2024-07-26. Review status: criteria provided, single submitter. Criteria: Ambry Variant Classification Scheme 2023. Collection method: clinical testing. Allele origin: germline.

Blueprint Genetics
Classification: Uncertain significance. Last evaluated: 2023-06-02. Review status: criteria provided, single submitter. Criteria: ACMG Guidelines, 2015. Collection method: clinical testing. Allele origin: germline.

Labcorp Genetics (formerly Invitae), Labcorp
Classification: Uncertain significance. Last evaluated: 2022-07-06. Review status: criteria provided, single submitter. Criteria: Invitae Variant Classification Sherloc (09022015). Collection method: clinical testing. Allele origin: germline.
Comment: This sequence change replaces glycine, which is neutral and non-polar, with serine, which is neutral and polar, at codon 1966 of the LOXHD1 protein (p.Gly1966Ser). This variant is present in population databases (rs569121054, gnomAD 0.1%). This variant has not been reported in the literature in individuals affected with LOXHD1-related conditions. ClinVar contains an entry for this variant (Variation ID: 666851). Algorithms developed to predict the effect of missense changes on protein structure and function are either unavailable or do not agree on the potential impact of this missense change (SIFT: "Tolerated"; PolyPhen-2: "Possibly Damaging"; Align-GVGD: "Class C0"). In summary, the available evidence is currently insufficient to determine the role of this variant in disease. Therefore, it has been classified as a Variant of Uncertain Significance.

Laboratory for Molecular Medicine, Mass General Brigham Personalized Medicine
Classification: Uncertain significance. Last evaluated: 2018-11-04. Review status: criteria provided, single submitter. Criteria: LMM Criteria. Collection method: clinical testing. Allele origin: germline. Observed: 1 variant allele.
Comment: Variant classified as Uncertain Significance - Favor Benign. The p.Gly1966Ser va riant in LOXHD1 has not been previously reported in individuals with hearing los s but has been identified in 0.097% (16/16812) of African chromosomes by the Gen ome Aggregation Database (gnomAD). Computation al prediction tools and conservation analysis do not provide strong support for or against an impact to the protein. In summary, while the clinical significance of the p.Gly1966Ser variant is uncertain, its frequency suggests that it is mor e likely to be benign. ACMG/AMP Criteria applied: BS1_Supporting.

Natera, Inc.
Classification: Uncertain significance for Autosomal recessive deafness type 77. Last evaluated: 2020-01-17. Review status: no assertion criteria provided. Collection method: clinical testing. Allele origin: germline. Not counted in ClinVar's aggregate classification.